The following is an entry in ClinVar:

NM_015909.4(NBAS):c.4889A>G (p.Lys1630Arg)

Gene: NBAS (NBAS subunit of NRZ tethering complex; minus strand). Cytogenetic location: 2p24.3.
Variant type: single nucleotide variant.
Coding change: c.4889A>G on transcript NM_015909.4 (MANE Select); coding-DNA position 4889, A replaced by G.
Protein change: p.Lys1630Arg; replaces lysine 1630 with arginine.
Molecular consequence: missense variant. On other transcripts: non-coding transcript variant (1).
Genome position (GRCh38, 1-based): chr2:15,292,675, T>C on the plus strand (A>G on the coding strand, the complement: NBAS is on the minus strand). VCF-style: chr2-15292675-T-C. GRCh37 (hg19) VCF-style: chr2-15432799-T-C.
Other names: c.4889A>G (NM_015909.2); short protein forms K1630R.
Identifiers: ClinVar variation 1915710 (VCV001915710.6), dbSNP rs969465843, ClinGen allele CA42612993.

ClinVar aggregate classification (germline): Uncertain significance. Review status: criteria provided, multiple submitters, no conflicts (2 of 4 stars). 2 submissions from 2 submitters: Uncertain significance (2). Last evaluated 2025-03-31.

Conditions:
Inborn genetic diseases. Identifiers: MedGen C0950123, MeSH D030342.

Allele frequency attached by ClinVar (database versions not stated): gnomAD exomes below 0.00001.
gnomAD v4.1: 6 of 1,614,214 alleles (0.00037%); highest among the groups gnomAD compares: South Asian, 0.0022%; no homozygotes.

Submissions (2):

Labcorp Genetics (formerly Invitae), Labcorp
Classification: Uncertain significance. Last evaluated: 2025-03-31. Review status: criteria provided, single submitter. Criteria: Invitae Variant Classification Sherloc (09022015). Collection method: clinical testing. Allele origin: germline.
Comment: This sequence change replaces lysine, which is basic and polar, with arginine, which is basic and polar, at codon 1630 of the NBAS protein (p.Lys1630Arg). This variant is not present in population databases (gnomAD no frequency). This variant has not been reported in the literature in individuals affected with NBAS-related conditions. ClinVar contains an entry for this variant (Variation ID: 1915710). Invitae Evidence Modeling of protein sequence and biophysical properties (such as structural, functional, and spatial information, amino acid conservation, physicochemical variation, residue mobility, and thermodynamic stability) indicates that this missense variant is not expected to disrupt NBAS protein function with a negative predictive value of 95%. In summary, the available evidence is currently insufficient to determine the role of this variant in disease. Therefore, it has been classified as a Variant of Uncertain Significance.

Ambry Genetics
Classification: Uncertain significance for Inborn genetic diseases. Last evaluated: 2023-12-17. Review status: criteria provided, single submitter. Criteria: Ambry Variant Classification Scheme 2023. Collection method: clinical testing. Allele origin: germline.